The following is an entry in ClinVar:

NM_000918.4(P4HB):c.362A>G (p.Glu121Gly)

Gene: P4HB (prolyl 4-hydroxylase subunit beta; minus strand). Cytogenetic location: 17q25.3.
Variant type: single nucleotide variant.
Coding change: c.362A>G on transcript NM_000918.4 (MANE Select); coding-DNA position 362, A replaced by G.
Protein change: p.Glu121Gly; replaces glutamic acid 121 with glycine.
Molecular consequence: missense variant.
Genome position (GRCh38, 1-based): chr17:81,855,577, T>C on the plus strand (A>G on the coding strand, the complement: P4HB is on the minus strand). VCF-style: chr17-81855577-T-C. GRCh37 (hg19) VCF-style: chr17-79813453-T-C.
Other names: short protein forms E121G.
Identifiers: ClinVar variation 1801181 (VCV001801181.3), dbSNP rs746157609, ClinGen allele CA8842994.

ClinVar aggregate classification (germline): Uncertain significance. Review status: criteria provided, multiple submitters, no conflicts (2 of 4 stars). 2 submissions from 2 submitters: Uncertain significance (2). Last evaluated 2023-04-24.

Conditions:
Inborn genetic diseases. Identifiers: MedGen C0950123, MeSH D030342.

Allele frequency attached by ClinVar (database versions not stated): gnomAD exomes below 0.00001; ExAC 0.00001.
gnomAD v4.1: 2 of 1,613,404 alleles (0.00012%); highest among the groups gnomAD compares: Non-Finnish European, 0.00017%; no homozygotes.

Submissions (2):

Ambry Genetics
Classification: Uncertain significance for Inborn genetic diseases. Last evaluated: 2023-04-24. Review status: criteria provided, single submitter. Criteria: Ambry Variant Classification Scheme 2023. Collection method: clinical testing. Allele origin: germline.

GeneDx
Classification: Uncertain significance. Last evaluated: 2022-05-24. Review status: criteria provided, single submitter. Criteria: GeneDx Variant Classification Process June 2021. Collection method: clinical testing. Allele origin: germline. Affected: yes.
Comment: Not observed at significant frequency in large population cohorts (gnomAD); In silico analysis supports that this missense variant has a deleterious effect on protein structure/function; Has not been previously published as pathogenic or benign to our knowledge